The following is an entry in ClinVar:

ClinVar aggregate classification (germline): Uncertain significance (1 of 4 stars; one submission).

Conditions:
Inborn genetic diseases. Identifiers: MedGen C0950123, MeSH D030342.

Submission:

Ambry Genetics
Classification: Uncertain significance for Inborn genetic diseases. Last evaluated: 2026-08-20. Review status: criteria provided, single submitter. Criteria: Ambry Variant Classification Scheme 2023. Collection method: clinical testing. Allele origin: germline.
Comment: The p.S842P variant (also known as c.2524T>C), located in coding exon 1 of the SAMD9L gene, results from a T to C substitution at nucleotide position 2524. The serine at codon 842 is replaced by proline, an amino acid with similar properties. This amino acid position is conserved. In addition, the in silico prediction for this alteration is inconclusive. Based on the available evidence, the clinical significance of this variant remains unclear.

NM_152703.5(SAMD9L):c.2524T>C (p.Ser842Pro)

Gene: SAMD9L (sterile alpha motif domain containing 9 like; minus strand). Cytogenetic location: 7q21.2.
Variant type: single nucleotide variant.
Coding change: c.2524T>C on transcript NM_152703.5 (MANE Select); coding-DNA position 2524, T replaced by C.
Protein change: p.Ser842Pro; replaces serine 842 with proline.
Molecular consequence: missense variant.
Genome position (GRCh38, 1-based): chr7:93,133,448, A>G on the plus strand (T>C on the coding strand, the complement: SAMD9L is on the minus strand). VCF-style: chr7-93133448-A-G. GRCh37 (hg19) VCF-style: chr7-92762761-A-G.
Other names: c.2524T>C, p.Ser842Pro (NM_001350082.2, NM_001350083.2, NM_001350084.2 and 5 more transcripts); short protein forms S842P.
Identifiers: ClinVar variation 5028958 (VCV005028958.1).